The following is an entry in ClinVar:

ClinVar aggregate classification (germline): Likely benign. Review status: reviewed by expert panel (3 of 4 stars). 3 submissions from 3 submitters: Likely benign (1). 2 of the submissions do not count toward it. Last evaluated 2022-07-05.

Conditions:
Hereditary thrombocytopenia and hematological cancer predisposition syndrome associated with RUNX1. Also called: Familial Platelet Disorder with Propensity to Acute Myelogenous Leukemia; Familial thrombocytopenia with propensity to acute myelogenous leukemia; PLATELET DISORDER, ASPIRIN-LIKE; RUNX1 Familial Platelet Disorder with Associated Myeloid Malignancies. Identifiers: Orphanet 71290, MedGen C1832388, MeSH C563324, MONDO:0100083, OMIM 601399.
Hereditary thrombocytopenia and hematologic cancer predisposition syndrome. Identifiers: Orphanet 71290, MedGen CN281654, MONDO:0011071.
Inborn genetic diseases. Identifiers: MedGen C0950123, MeSH D030342.

Allele frequency attached by ClinVar (database versions not stated): gnomAD 0.00001; gnomAD exomes 0.00001; ExAC 0.00002.
gnomAD v4.1: 6 of 1,614,070 alleles (0.00037%); highest among the groups gnomAD compares: Admixed American, 0.0033%; no homozygotes.

Submissions (3):

ClinGen Myeloid Malignancy Variant Curation Expert Panel
Classification: Likely benign for Hereditary thrombocytopenia and hematologic cancer predisposition syndrome. Last evaluated: 2022-07-05. Review status: reviewed by expert panel. Criteria: ClinGen MyeloMalig ACMG Specifications v2. Collection method: curation. Allele origin: germline. Inheritance: Autosomal dominant inheritance.
Comment: NM_001754.5(RUNX1):c.426T>C (p.Ala142=) is a synonymous variant therefore REVEL score is not applicable and SpliceAI is ≤0.20 (0.00) (BP4). Evolutionary conservation prediction algorithms predict the site as not being conserved (PhyloP score -2.86813 < 2.0 or the variant is the reference nucleotide in one primate and/or three mammal species) (BP7). In summary, this variant meets the criteria to be classified as likely benign. ACMG/AMP criteria applied, as specified by the Myeloid Malignancy Variant Curation Expert Panel for RUNX1: BP4 and BP7

Labcorp Genetics (formerly Invitae), Labcorp
Classification: Likely benign for Hereditary thrombocytopenia and hematological cancer predisposition syndrome associated with RUNX1. Last evaluated: 2025-07-20. Review status: criteria provided, single submitter. Criteria: Invitae Variant Classification Sherloc (09022015). Collection method: clinical testing. Allele origin: germline. Not counted in ClinVar's aggregate classification.

Ambry Genetics
Classification: Likely benign for Inborn genetic diseases. Last evaluated: 2024-12-15. Review status: criteria provided, single submitter. Criteria: Ambry Variant Classification Scheme 2023. Collection method: clinical testing. Allele origin: germline. Not counted in ClinVar's aggregate classification.

NM_001754.5(RUNX1):c.426T>C (p.Ala142=)

Genes: RUNX1-AS1 (RUNX1 antisense RNA 1; plus strand), RUNX1 (RUNX family transcription factor 1; minus strand). Cytogenetic location: 21q22.12.
Variant type: single nucleotide variant.
Coding change: c.426T>C on transcript NM_001754.5 (MANE Select); coding-DNA position 426, T replaced by C.
Protein change: p.Ala142=; no amino-acid change (alanine 142 retained).
Molecular consequence: synonymous variant.
Genome position (GRCh38, 1-based): chr21:34,880,639, A>G on the plus strand (T>C on the coding strand, the complement: RUNX1 is on the minus strand). VCF-style: chr21-34880639-A-G. GRCh37 (hg19) VCF-style: chr21-36252936-A-G.
Other names: NM_001754.5(RUNX1):c.426T>C; p.Ala142=; c.345T>C, p.Ala115= (NM_001001890.3, NM_001122607.2); c.426T>C (NM_001754.4).
Identifiers: ClinVar variation 1142251 (VCV001142251.11), dbSNP rs779032088, ClinGen allele CA10014518.